The following is an entry in ClinVar:

NM_002519.3(NPAT):c.1704G>T (p.Lys568Asn)

Gene: NPAT (nuclear protein, coactivator of histone transcription; minus strand). Cytogenetic location: 11q22.3.
Variant type: single nucleotide variant.
Coding change: c.1704G>T on transcript NM_002519.3 (MANE Select); coding-DNA position 1704, G replaced by T.
Protein change: p.Lys568Asn; replaces lysine 568 with asparagine.
Molecular consequence: missense variant.
Genome position (GRCh38, 1-based): chr11:108,173,280, C>A on the plus strand (G>T on the coding strand, the complement: NPAT is on the minus strand). VCF-style: chr11-108173280-C-A. GRCh37 (hg19) VCF-style: chr11-108044007-C-A.
Other names: c.1704G>T, p.Lys568Asn (NM_001321307.1); short protein forms K568N.
Identifiers: ClinVar variation 1778420 (VCV001778420.3), dbSNP rs760278212, ClinGen allele CA382514545.

ClinVar aggregate classification (germline): Uncertain significance (1 of 4 stars; one submission).

Submission:

Ambry Genetics
Classification: Uncertain significance. Last evaluated: 2024-05-25. Review status: criteria provided, single submitter. Criteria: Ambry Variant Classification Scheme 2023. Collection method: clinical testing. Allele origin: germline.
Comment: The p.K568N variant (also known as c.1704G>T), located in coding exon 13 of the NPAT gene, results from a G to T substitution at nucleotide position 1704. The lysine at codon 568 is replaced by asparagine, an amino acid with similar properties. This amino acid position is conserved. In addition, this alteration is predicted to be tolerated by in silico analysis. Since supporting evidence is limited at this time, the clinical significance of this alteration remains unclear.